The following is an entry in ClinVar:

ClinVar aggregate classification (germline): Uncertain significance (1 of 4 stars; one submission).

gnomAD v4.1: 6 of 1,609,678 alleles (0.00037%); highest among the groups gnomAD compares: Non-Finnish European, 0.00042%; no homozygotes.

Submission:

Labcorp Genetics (formerly Invitae), Labcorp
Classification: Uncertain significance. Last evaluated: 2024-06-16. Review status: criteria provided, single submitter. Criteria: Invitae Variant Classification Sherloc (09022015). Collection method: clinical testing. Allele origin: germline.
Comment: This sequence change replaces threonine, which is neutral and polar, with asparagine, which is neutral and polar, at codon 106 of the HNF1A protein (p.Thr106Asn). This variant is not present in population databases (gnomAD no frequency). This variant has not been reported in the literature in individuals affected with HNF1A-related conditions. Advanced modeling of protein sequence and biophysical properties (such as structural, functional, and spatial information, amino acid conservation, physicochemical variation, residue mobility, and thermodynamic stability) performed at Invitae indicates that this missense variant is not expected to disrupt HNF1A protein function with a negative predictive value of 80%. In summary, the available evidence is currently insufficient to determine the role of this variant in disease. Therefore, it has been classified as a Variant of Uncertain Significance.

NM_000545.8(HNF1A):c.317C>A (p.Thr106Asn)

Gene: HNF1A (HNF1 homeobox A; plus strand). Cytogenetic location: 12q24.31.
Variant type: single nucleotide variant.
Coding change: c.317C>A on transcript NM_000545.8 (MANE Select); coding-DNA position 317, C replaced by A.
Protein change: p.Thr106Asn; replaces threonine 106 with asparagine.
Molecular consequence: missense variant.
Genome position (GRCh38, 1-based): chr12:120,979,085, C>A. VCF-style: chr12-120979085-C-A. GRCh37 (hg19) VCF-style: chr12-121416888-C-A.
Other names: c.317C>A, p.Thr106Asn (NM_001306179.2, NM_001406915.1); short protein forms T106N.
Identifiers: ClinVar variation 3705353 (VCV003705353.2).